The following is an entry in ClinVar:

ClinVar aggregate classification (germline): Uncertain significance. Review status: criteria provided, multiple submitters, no conflicts (2 of 4 stars). 2 submissions from 2 submitters: Uncertain significance (2). Last evaluated 2022-10-24.

Conditions:
Transcobalamin I deficiency (TCN1D). Also called: COBALAMIN PSEUDODEFICIENCY DUE TO TRANSCOBALAMIN DEFICIENCY; COBALAMIN R BINDER PROTEIN DEFICIENCY; TCN1 DEFICIENCY. Identifiers: Orphanet 2967, MedGen C0342700, MONDO:0008659, OMIM 193090.

Allele frequency attached by ClinVar (database versions not stated): gnomAD exomes below 0.00001 and 0.00001; gnomAD 0.00001; TOPMed 0.00002.
gnomAD v4.1: 12 of 1,613,840 alleles (0.00074%); highest among the groups gnomAD compares: Non-Finnish European, 0.001%; no homozygotes.

Submissions (2):

Labcorp Genetics (formerly Invitae), Labcorp
Classification: Uncertain significance for Transcobalamin I deficiency. Last evaluated: 2022-10-24. Review status: criteria provided, single submitter. Criteria: Invitae Variant Classification Sherloc (09022015). Collection method: clinical testing. Allele origin: germline.
Comment: This sequence change replaces glycine, which is neutral and non-polar, with serine, which is neutral and polar, at codon 236 of the TCN1 protein (p.Gly236Ser). This variant is present in population databases (no rsID available, gnomAD 0.0009%). This variant has not been reported in the literature in individuals affected with TCN1-related conditions. ClinVar contains an entry for this variant (Variation ID: 529775). Algorithms developed to predict the effect of missense changes on protein structure and function are either unavailable or do not agree on the potential impact of this missense change (SIFT: "Deleterious"; PolyPhen-2: "Probably Damaging"; Align-GVGD: "Class C0"). In summary, the available evidence is currently insufficient to determine the role of this variant in disease. Therefore, it has been classified as a Variant of Uncertain Significance.

Ambry Genetics
Classification: Uncertain significance. Last evaluated: 2021-10-26. Review status: criteria provided, single submitter. Criteria: Ambry Variant Classification Scheme 2023. Collection method: clinical testing. Allele origin: germline.

NM_001062.4(TCN1):c.706G>A (p.Gly236Ser)

Gene: TCN1 (transcobalamin 1; minus strand). Cytogenetic location: 11q12.1.
Variant type: single nucleotide variant.
Coding change: c.706G>A on transcript NM_001062.4 (MANE Select); coding-DNA position 706, G replaced by A.
Protein change: p.Gly236Ser; replaces glycine 236 with serine.
Molecular consequence: missense variant.
Genome position (GRCh38, 1-based): chr11:59,859,118, C>T on the plus strand (G>A on the coding strand, the complement: TCN1 is on the minus strand). VCF-style: chr11-59859118-C-T. GRCh37 (hg19) VCF-style: chr11-59626591-C-T.
Other names: short protein forms G236S.
Identifiers: ClinVar variation 529775 (VCV000529775.9), dbSNP rs1242630410, ClinGen allele CA380807522.